The following is an entry in ClinVar:

NM_025137.4(SPG11):c.5615G>C (p.Trp1872Ser)

Gene: SPG11 (SPG11 vesicle trafficking associated, spatacsin; minus strand). Cytogenetic location: 15q21.1.
Variant type: single nucleotide variant.
Coding change: c.5615G>C on transcript NM_025137.4 (MANE Select); coding-DNA position 5615, G replaced by C.
Protein change: p.Trp1872Ser; replaces tryptophan 1872 with serine.
Molecular consequence: missense variant.
Genome position (GRCh38, 1-based): chr15:44,584,065, C>G on the plus strand (G>C on the coding strand, the complement: SPG11 is on the minus strand). VCF-style: chr15-44584065-C-G. GRCh37 (hg19) VCF-style: chr15-44876263-C-G.
Other names: c.5615G>C, p.Trp1872Ser (NM_001160227.2); short protein forms W1872S.
Identifiers: ClinVar variation 574101 (VCV000574101.8), dbSNP rs1567138385, ClinGen allele CA392221858.

ClinVar aggregate classification (germline): Uncertain significance (1 of 4 stars; one submission).

Conditions:
Hereditary spastic paraplegia 11. Also called: Spastic paraplegia, mental retardation and thin corpus callosum; SPASTIC PARAPLEGIA, AUTOSOMAL RECESSIVE, COMPLICATED, WITH THIN CORPUS CALLOSUM; SPASTIC PARAPLEGIA, AUTOSOMAL RECESSIVE, WITH MENTAL IMPAIRMENT AND THIN CORPUS CALLOSUM; Nakamura Osame syndrome; Autosomal recessive hereditary spastic paraplegia, mental impairment, and thin corpus callosum; Spastic Paraplegia 11. Identifiers: Orphanet 2822, MedGen C1858479, MONDO:0011445, OMIM 604360.

Submission:

Labcorp Genetics (formerly Invitae), Labcorp
Classification: Uncertain significance for Hereditary spastic paraplegia 11. Last evaluated: 2018-03-06. Review status: criteria provided, single submitter. Criteria: Invitae Variant Classification Sherloc (09022015). Collection method: clinical testing. Allele origin: germline.
Comment: This variant has not been reported in the literature in individuals with SPG11-related disease. In summary, the available evidence is currently insufficient to determine the role of this variant in disease. Therefore, it has been classified as a Variant of Uncertain Significance. Algorithms developed to predict the effect of missense changes on protein structure and function (SIFT, PolyPhen-2, Align-GVGD) all suggest that this variant is likely to be tolerated, but these predictions have not been confirmed by published functional studies and their clinical significance is uncertain. This variant is not present in population databases (ExAC no frequency). This sequence change replaces tryptophan with serine at codon 1872 of the SPG11 protein (p.Trp1872Ser). The tryptophan residue is weakly conserved and there is a large physicochemical difference between tryptophan and serine.